The following is an entry in ClinVar:

ClinVar aggregate classification (germline): Uncertain significance (1 of 4 stars; one submission).

Conditions:
Familial hypercholesterolemia. Also called: Familial hypercholesterolaemia. Identifiers: MedGen C0020445, MONDO:0005439.

gnomAD v4.1: 6 of 1,571,236 alleles (0.00038%); highest among the groups gnomAD compares: East Asian, 0.007%; no homozygotes.

Submission:

Color Diagnostics, LLC DBA Color Health
Classification: Uncertain significance for Familial hypercholesterolemia. Last evaluated: 2025-09-08. Review status: criteria provided, single submitter. Criteria: ACMG Guidelines, 2015. Collection method: clinical testing. Allele origin: germline.
Comment: This missense variant replaces glutamine with glutamic acid at codon 31 of the PCSK9 protein. Computational prediction suggests that this variant may not impact protein structure and function. To our knowledge, functional studies have not been reported for this variant. This variant has not been reported in individuals affected with PCSK9-related disorders in the literature. This variant has been identified in 3/181414 chromosomes in the general population by the Genome Aggregation Database (gnomAD). The available evidence is insufficient to determine the role of this variant in disease conclusively. Therefore, this variant is classified as a Variant of Uncertain Significance.

NM_174936.4(PCSK9):c.91C>G (p.Gln31Glu)

Gene: PCSK9 (proprotein convertase subtilisin/kexin type 9; plus strand). Cytogenetic location: 1p32.3.
Variant type: single nucleotide variant.
Coding change: c.91C>G on transcript NM_174936.4 (MANE Select); coding-DNA position 91, C replaced by G.
Protein change: p.Gln31Glu; replaces glutamine 31 with glutamic acid.
Molecular consequence: missense variant. On other transcripts: 5 prime UTR variant (1), non-coding transcript variant (8).
Genome position (GRCh38, 1-based): chr1:55,039,928, C>G. VCF-style: chr1-55039928-C-G. GRCh37 (hg19) VCF-style: chr1-55505601-C-G.
Other names: c.91C>G, p.Gln31Glu (NM_001407243.1, NM_001407244.1, NM_001407245.1 and 4 more transcripts); c.-644C>G (NM_001407246.1); short protein forms Q31E.
Identifiers: ClinVar variation 4758566 (VCV004758566.1).